The following is an entry in ClinVar:

NM_005634.3(SOX3):c.265G>A (p.Gly89Arg)

Gene: SOX3 (SRY-box transcription factor 3; minus strand). Cytogenetic location: Xq27.1.
Variant type: single nucleotide variant.
Coding change: c.265G>A on transcript NM_005634.3 (MANE Select); coding-DNA position 265, G replaced by A.
Protein change: p.Gly89Arg; replaces glycine 89 with arginine.
Molecular consequence: missense variant.
Genome position (GRCh38, 1-based): chrX:140,504,796, C>T on the plus strand (G>A on the coding strand, the complement: SOX3 is on the minus strand). VCF-style: chrX-140504796-C-T. GRCh37 (hg19) VCF-style: chrX-139586961-C-T.
Other names: short protein forms G89R.
Identifiers: ClinVar variation 4822361 (VCV004822361.4).

ClinVar aggregate classification (germline): Uncertain significance (1 of 4 stars; one submission).

Submission:

CeGaT Center for Human Genetics Tuebingen
Classification: Uncertain significance. Last evaluated: 2026-01-01. Review status: criteria provided, single submitter. Criteria: CeGaT Center For Human Genetics Tuebingen Variant Classification Criteria Version 2. Collection method: clinical testing. Allele origin: germline. Affected: yes. Observed: 1 variant allele.
Comment: SOX3: PP3